The following is an entry in ClinVar:

ClinVar aggregate classification (germline): Uncertain significance (1 of 4 stars; one submission).

Conditions:
Familial thoracic aortic aneurysm and aortic dissection (TAAD). Also called: Thoracic aortic aneurysms and dissections. Identifiers: Orphanet 91387, MedGen C4707243, MONDO:0019625.

Allele frequency attached by ClinVar (database versions not stated): TOPMed below 0.00001; gnomAD 0.00001.
gnomAD v4.1: 1 of 1,614,056 alleles (0.000062%); highest among the groups gnomAD compares: African/African-American, 0.0013%; no homozygotes.

Submission:

Ambry Genetics
Classification: Uncertain significance for Familial thoracic aortic aneurysm and aortic dissection. Last evaluated: 2021-04-01. Review status: criteria provided, single submitter. Criteria: Ambry Variant Classification Scheme 2023. Collection method: clinical testing. Allele origin: germline.
Comment: The p.C64S variant (also known as c.191G>C), located in coding exon 2 of the COL5A2 gene, results from a G to C substitution at nucleotide position 191. The cysteine at codon 64 is replaced by serine, an amino acid with dissimilar properties. This amino acid position is highly conserved in available vertebrate species. In addition, this alteration is predicted to be deleterious by in silico analysis. Since supporting evidence is limited at this time, the clinical significance of this alteration remains unclear.

NM_000393.5(COL5A2):c.191G>C (p.Cys64Ser)

Gene: COL5A2 (collagen type V alpha 2 chain; minus strand). Cytogenetic location: 2q32.2.
Variant type: single nucleotide variant.
Coding change: c.191G>C on transcript NM_000393.5 (MANE Select); coding-DNA position 191, G replaced by C.
Protein change: p.Cys64Ser; replaces cysteine 64 with serine.
Molecular consequence: missense variant.
Genome position (GRCh38, 1-based): chr2:189,110,356, C>G on the plus strand (G>C on the coding strand, the complement: COL5A2 is on the minus strand). VCF-style: chr2-189110356-C-G. GRCh37 (hg19) VCF-style: chr2-189975082-C-G.
Other names: short protein forms C64S.
Identifiers: ClinVar variation 1782646 (VCV001782646.2), dbSNP rs1243495822, ClinGen allele CA349868245.